The following is an entry in ClinVar:

NM_020987.5(ANK3):c.11007C>A (p.Thr3669=)

Gene: ANK3 (ankyrin 3; minus strand). Cytogenetic location: 10q21.2.
Variant type: single nucleotide variant.
Coding change: c.11007C>A on transcript NM_020987.5 (MANE Select); coding-DNA position 11007, C replaced by A.
Protein change: p.Thr3669=; no amino-acid change (threonine 3669 retained).
Molecular consequence: synonymous variant. On other transcripts: intron variant (4).
Genome position (GRCh38, 1-based): chr10:60,069,874, G>T on the plus strand (C>A on the coding strand, the complement: ANK3 is on the minus strand). VCF-style: chr10-60069874-G-T. GRCh37 (hg19) VCF-style: chr10-61829632-G-T.
Other names: c.4388-1865C>A (NM_001204403.2); c.4409-1865C>A (NM_001204404.2); c.4406-1865C>A (NM_001320874.2); c.1808-1865C>A (NM_001149.4).
Identifiers: ClinVar variation 1545936 (VCV001545936.31), dbSNP rs2131966858, ClinGen allele CA469989869.

ClinVar aggregate classification (germline): Conflicting classifications of pathogenicity. Review status: criteria provided, conflicting classifications (1 of 4 stars). 2 submissions from 2 submitters: Uncertain significance (1); Likely benign (1). Last evaluated 2024-08-12.

Allele frequency attached by ClinVar (database versions not stated): gnomAD exomes 0.00001.
gnomAD v4.1: 10 of 1,614,012 alleles (0.00062%); highest among the groups gnomAD compares: Non-Finnish European, 0.00085%; no homozygotes.

Submissions (2):

Labcorp Genetics (formerly Invitae), Labcorp
Classification: Likely benign. Last evaluated: 2024-08-12. Review status: criteria provided, single submitter. Criteria: Invitae Variant Classification Sherloc (09022015). Collection method: clinical testing. Allele origin: germline.

CeGaT Center for Human Genetics Tuebingen
Classification: Uncertain significance. Last evaluated: 2023-04-01. Review status: criteria provided, single submitter. Criteria: CeGaT Center For Human Genetics Tuebingen Variant Classification Criteria Version 2. Collection method: clinical testing. Allele origin: germline. Affected: yes. Observed: 1 variant allele.
Comment: ANK3: PM2:Supporting, BP4